The following is an entry in ClinVar:

ClinVar aggregate classification (germline): Uncertain significance (1 of 4 stars; one submission).

Conditions:
Malignant hyperthermia, susceptibility to, 1 (MHS1). Also called: Anesthesia related hyperthermia; Malignant hyperpyrexia; Fulminating hyperpyrexia; Pharmacogenic myopathy; RYR1-Related Malignant Hyperthermia Susceptibility; Malignant hyperthermia suceptibility 1. Identifiers: Orphanet 423, MedGen C2930980, MONDO:0007783, OMIM 145600.

Allele frequency attached by ClinVar (database versions not stated): ExAC 0.00001; gnomAD 0.00001; TOPMed below 0.00001.
gnomAD v4.1: 12 of 1,614,000 alleles (0.00074%); highest among the groups gnomAD compares: East Asian, 0.013%; no homozygotes.

Submission:

All of Us Research Program, National Institutes of Health
Classification: Uncertain significance for Malignant hyperthermia, susceptibility to, 1. Last evaluated: 2024-02-22. Review status: criteria provided, single submitter. Criteria: ACMG Guidelines, 2015. Collection method: clinical testing. Allele origin: germline. Inheritance: Autosomal dominant inheritance. Observed: 2 variant alleles, 2 heterozygotes.
Comment: This variant changes 1 nucleotide in exon 12 of the RYR1 gene, creating a premature translation stop signal. This variant is expected to result in an absent or non-functional protein product. This variant has been identified in three participants in a Singaporean sequencing cohort with no known RYR1-associated conditions (PMID: 35361824). This variant has been identified in 3/282740 chromosomes in the general population by the Genome Aggregation Database (gnomAD). Loss of RYR1 function due to truncation variants is not an established disease mechanism for autosomal dominant malignant hyperthermia, although it is associated with other phenotype(s). Due to insufficient evidence, this variant is classified as a Variant of Uncertain Significance for autosomal dominant malignant hyperthermia.

This study involves interpretation of variants in research participants for the purpose of population health screening. Participant phenotype was not available at the time of variant classification. Additional details can be found in publication PMID: 35346344, PMCID: PMC8962531

Literature cited by the submitters: PubMed 35361824.

NM_000540.3(RYR1):c.1186G>T (p.Glu396Ter)

Gene: RYR1 (ryanodine receptor 1; plus strand). Cytogenetic location: 19q13.2.
Variant type: single nucleotide variant.
Coding change: c.1186G>T on transcript NM_000540.3 (MANE Select); coding-DNA position 1186, G replaced by T.
Protein change: p.Glu396Ter; replaces glutamic acid 396 with a stop codon.
Molecular consequence: nonsense.
Genome position (GRCh38, 1-based): chr19:38,451,827, G>T. VCF-style: chr19-38451827-G-T. GRCh37 (hg19) VCF-style: chr19-38942467-G-T.
Other names: c.1186G>T, p.Glu396Ter (NM_001042723.2); short protein forms E396*.
Identifiers: ClinVar variation 3072994 (VCV003072994.2), dbSNP rs774919231, ClinGen allele CA057738.
Genomic context (GRCh38, chr19:38,451,827, plus strand): 5'-ATGCTGCACCAGGAGGGCCACATGGACGACGCACTGTCGCTGACCCGCTGCCAGCAGGAG[G>T]AGTCCCAGGCCGCCCGCATGATCCACAGCACCAATGGCCTATACAACCAGTTCATCAAGT-3'